The following is an entry in ClinVar:

NM_006904.7(PRKDC):c.5836A>C (p.Asn1946His)

Gene: PRKDC (protein kinase, DNA-activated, catalytic subunit; minus strand). Cytogenetic location: 8q11.21.
Variant type: single nucleotide variant.
Coding change: c.5836A>C on transcript NM_006904.7 (MANE Select); coding-DNA position 5836, A replaced by C.
Protein change: p.Asn1946His; replaces asparagine 1946 with histidine.
Molecular consequence: missense variant.
Genome position (GRCh38, 1-based): chr8:47,862,456, T>G on the plus strand (A>C on the coding strand, the complement: PRKDC is on the minus strand). VCF-style: chr8-47862456-T-G. GRCh37 (hg19) VCF-style: chr8-48775017-T-G.
Other names: c.5836A>C, p.Asn1946His (NM_001081640.2); short protein forms N1946H.
Identifiers: ClinVar variation 2449848 (VCV002449848.2), dbSNP rs2551870684, ClinGen allele CA371162370.
Genomic context (GRCh38, chr8:47,862,456, plus strand): 5'-GAAAACCTTGGTAAAATTTTAACTCATTGAAGACACAGCAGATGACAGATATGGCGCAGT[T>G]GTATGCTGCACAATGGTAAAGTCTTCTCCTCTCCAGCAGCTGATTCTCTCCTGCCATGTT-3'
Protein context (NP_008835.5, residues 1936-1956): RRRLYHCAAY[Asn1946His]CAISVICCVF

ClinVar aggregate classification (germline): Uncertain significance (1 of 4 stars; one submission).

Submission:

Ambry Genetics
Classification: Uncertain significance. Last evaluated: 2022-12-23. Review status: criteria provided, single submitter. Criteria: Ambry Variant Classification Scheme 2023. Collection method: clinical testing. Allele origin: germline.
Comment: The p.N1946H variant (also known as c.5836A>C), located in coding exon 43 of the PRKDC gene, results from an A to C substitution at nucleotide position 5836. The asparagine at codon 1946 is replaced by histidine, an amino acid with similar properties. This amino acid position is conserved. In addition, the in silico prediction for this alteration is inconclusive. Since supporting evidence is limited at this time, the clinical significance of this alteration remains unclear.